The following is an entry in ClinVar:

NM_001039591.3(USP9X):c.4786GAT[2] (p.Asp1598del)

Gene: USP9X (ubiquitin specific peptidase 9 X-linked; plus strand). Cytogenetic location: Xp11.4.
Variant type: Microsatellite.
Coding change: c.4786GAT[2] on transcript NM_001039591.3 (MANE Select); two copies in a row of the 3-base unit GAT starting at c.4786; the reference has three copies in a row; one copy, 3 bases deleted.
Protein change: p.Asp1598del; deletes aspartic acid 1598.
Molecular consequence: inframe deletion. On other transcripts: inframe indel (2).
Genome position (GRCh38, 1-based): chrX:41,201,248-41,201,250, GAT deleted; deleting any 3 consecutive bases within chrX:41,201,242-41,201,250 gives the same sequence; the position shown is the placement nearest the transcript's 3' end. VCF-style (leftmost placement, unchanged base first): chrX-41201241-AGAT-A. GRCh37 (hg19) VCF-style: chrX-41060494-AGAT-A.
Other names: c.4786GAT[2], p.Asp1598del (NM_001039590.3); c.4801_4803GAT[2], p.Asp1603del (NM_001410748.1, NM_001410749.1); short protein forms D1603del, D1598del.
Identifiers: ClinVar variation 1911848 (VCV001911848.5), dbSNP rs1372901093, ClinGen allele CA641899720.
Genomic context (GRCh38, chrX:41,201,241, plus strand): 5'-CTACATGATTCCTTCCATTAGGAACGGTATTCTTGCCATTGAAGGCACAGGTAGTGATGT[AGAT>A]GATGATATGTCTGGGGATGAGAAGCAGGACAATGAGGTAAATTTGAGTTACCATTTCTGT-3'

ClinVar aggregate classification (germline): Uncertain significance (1 of 4 stars; one submission).

Submission:

Labcorp Genetics (formerly Invitae), Labcorp
Classification: Uncertain significance. Last evaluated: 2023-10-23. Review status: criteria provided, single submitter. Criteria: Invitae Variant Classification Sherloc (09022015). Collection method: clinical testing. Allele origin: germline.
Comment: This variant, c.4792_4794del, results in the deletion of 1 amino acid(s) of the USP9X protein (p.Asp1598del), but otherwise preserves the integrity of the reading frame. This variant is present in population databases (no rsID available, gnomAD no frequency). This variant has not been reported in the literature in individuals affected with USP9X-related conditions. Experimental studies and prediction algorithms are not available or were not evaluated, and the functional significance of this variant is currently unknown. In summary, the available evidence is currently insufficient to determine the role of this variant in disease. Therefore, it has been classified as a Variant of Uncertain Significance.